The following is an entry in ClinVar:

ClinVar aggregate classification (germline): Conflicting classifications of pathogenicity. Review status: criteria provided, conflicting classifications (1 of 4 stars). 2 submissions from 2 submitters: Uncertain significance (1); Likely benign (1). Last evaluated 2023-09-19.

Allele frequency attached by ClinVar (database versions not stated): gnomAD exomes below 0.00001 and 0.00001; TOPMed below 0.00001.
gnomAD v4.1: 14 of 1,613,998 alleles (0.00087%); highest among the groups gnomAD compares: Middle Eastern, 0.016%; no homozygotes.

Submissions (2):

Labcorp Genetics (formerly Invitae), Labcorp
Classification: Likely benign. Last evaluated: 2023-09-19. Review status: criteria provided, single submitter. Criteria: Invitae Variant Classification Sherloc (09022015). Collection method: clinical testing. Allele origin: germline.

ARUP Laboratories, Molecular Genetics and Genomics, ARUP Laboratories
Classification: Uncertain significance. Last evaluated: 2018-11-28. Review status: criteria provided, single submitter. Criteria: ARUP Molecular Germline Variant Investigation Process. Collection method: clinical testing. Allele origin: germline.
Comment: The MYH9 c.4009G>A; p.Glu1337Lys variant (rs1038334022), to our knowledge, is not reported in the medical literature or gene specific databases. This variant is found on only one chromosome in the Genome Aggregation Database, indicating it is not a common polymorphism. The glutamate at codon 1337 is highly conserved, and computational analyses (SIFT, PolyPhen-2) predict that this variant is deleterious. However, due to limited information, the clinical significance of the p.Glu1337Lys variant is uncertain at this time.

NM_002473.6(MYH9):c.4009G>A (p.Glu1337Lys)

Gene: MYH9 (myosin heavy chain 9; minus strand). Cytogenetic location: 22q12.3.
Variant type: single nucleotide variant.
Coding change: c.4009G>A on transcript NM_002473.6 (MANE Select); coding-DNA position 4009, G replaced by A.
Protein change: p.Glu1337Lys; replaces glutamic acid 1337 with lysine.
Molecular consequence: missense variant.
Genome position (GRCh38, 1-based): chr22:36,293,415, C>T on the plus strand (G>A on the coding strand, the complement: MYH9 is on the minus strand). VCF-style: chr22-36293415-C-T. GRCh37 (hg19) VCF-style: chr22-36689461-C-T.
Other names: short protein forms E1337K.
Identifiers: ClinVar variation 811813 (VCV000811813.12), dbSNP rs1038334022, ClinGen allele CA323591062.
Genomic context (GRCh38, chr22:36,293,415, plus strand): 5'-TCTCCAGGTTGTGCTTGGCCTCCTCCTCCTCCTCCAGCTGCTCCCGGAAGGAATTCTTCT[C>T]GTCCTCCACCTGCTTGAGCTTGGTGCTCAGGCTCAGCTTCTGCCGGTTCTCCTCCTGCAG-3'
Protein context (NP_002464.1, residues 1327-1347): LSTKLKQVED[Glu1337Lys]KNSFREQLEE